The following is an entry in ClinVar:

NM_002335.4(LRP5):c.2358C>T (p.Ile786=)

Gene: LRP5 (LDL receptor related protein 5; plus strand). Cytogenetic location: 11q13.2.
Variant type: single nucleotide variant.
Coding change: c.2358C>T on transcript NM_002335.4 (MANE Select); coding-DNA position 2358, C replaced by T.
Protein change: p.Ile786=; no amino-acid change (isoleucine 786 retained).
Molecular consequence: synonymous variant.
Genome position (GRCh38, 1-based): chr11:68,411,475, C>T. VCF-style: chr11-68411475-C-T. GRCh37 (hg19) VCF-style: chr11-68178943-C-T.
Other names: c.615C>T, p.Ile205= (NM_001291902.2).
Identifiers: ClinVar variation 746556 (VCV000746556.37), dbSNP rs140616444, ClinGen allele CA6149612.

ClinVar aggregate classification (germline): Likely benign. Review status: criteria provided, multiple submitters, no conflicts (2 of 4 stars). 5 submissions from 5 submitters: Likely benign (4). 1 of the submissions does not count toward it. Last evaluated 2026-01-12.

Conditions:
Autosomal dominant osteopetrosis 1 (OPTA1). Also called: OSTEOPETROSIS, AUTOSOMAL DOMINANT, TYPE I. Identifiers: Orphanet 2783, MedGen C1843330, MONDO:0011877, OMIM 607634.
Worth disease. Also called: Autosomal dominant osteosclerosis, Worth type; ENDOSTEAL HYPEROSTOSIS, AUTOSOMAL DOMINANT; OSTEOSCLEROSIS, AUTOSOMAL DOMINANT. Identifiers: Orphanet 2790, MedGen C0432273, MONDO:0007764, OMIM 144750.
Bone mineral density quantitative trait locus 1 (BMND1). Identifiers: MedGen C1866079, OMIM 601884.
Osteoporosis. Identifiers: MedGen C0029456, MONDO:0005298, OMIM 166710, HP:0000939.
Exudative vitreoretinopathy 4 (EVR4). Identifiers: Orphanet 891, MedGen C1866176, MONDO:0011151, OMIM 601813.
Exudative vitreoretinopathy 1 (EVR1). Also called: CRISWICK-SCHEPENS SYNDROME; FEVR, AUTOSOMAL DOMINANT; Familial exudative vitreoretinopathy, autosomal dominant. Identifiers: Orphanet 891, Orphanet 90050, MedGen C1851402, MONDO:0007589, OMIM 133780.
Polycystic liver disease 4 with or without kidney cysts. Identifiers: MedGen C4693479, MONDO:0044327, OMIM 617875.
Osteoporosis with pseudoglioma (OPPG). Also called: osteoporosis-pseudoglioma syndrome. Identifiers: Orphanet 2788, MedGen C0432252, MONDO:0009820, OMIM 259770.
LRP5-related disorder. Also called: LRP5-related condition.

Allele frequency attached by ClinVar (database versions not stated): gnomAD 0.00019; TOPMed 0.00019; ESP Exome Variant Server 0.00023; 1000 Genomes Project 30x 0.00031.
gnomAD v4.1: 139 of 1,613,192 alleles (0.0086%); highest among the groups gnomAD compares: African/African-American, 0.044%; 1 homozygote.

Submissions (5):

Labcorp Genetics (formerly Invitae), Labcorp
Classification: Likely benign. Last evaluated: 2026-01-12. Review status: criteria provided, single submitter. Criteria: Invitae Variant Classification Sherloc (09022015). Collection method: clinical testing. Allele origin: germline.

Blueprint Genetics
Classification: Likely benign. Last evaluated: 2024-10-16. Review status: criteria provided, single submitter. Criteria: ACMG Guidelines, 2015. Collection method: clinical testing. Allele origin: germline.

CeGaT Center for Human Genetics Tuebingen
Classification: Likely benign. Last evaluated: 2023-01-01. Review status: criteria provided, single submitter. Criteria: CeGaT Center For Human Genetics Tuebingen Variant Classification Criteria Version 2. Collection method: clinical testing. Allele origin: germline. Affected: yes. Observed: 2 variant alleles.
Comment: LRP5: BP4, BP7

Fulgent Genetics
Classification: Likely benign for Exudative vitreoretinopathy 1; Worth disease; Osteoporosis; Osteoporosis with pseudoglioma; Exudative vitreoretinopathy 4; Bone mineral density quantitative trait locus 1; Autosomal dominant osteopetrosis 1; Polycystic liver disease 4 with or without kidney cysts. Last evaluated: 2021-07-27. Review status: criteria provided, single submitter. Criteria: ACMG Guidelines, 2015. Collection method: clinical testing. Allele origin: unknown.

PreventionGenetics, part of Exact Sciences
Classification: Likely benign for LRP5-related condition. Last evaluated: 2024-09-25. Review status: no assertion criteria provided. Collection method: clinical testing. Allele origin: germline. Not counted in ClinVar's aggregate classification.
Comment: This variant is classified as likely benign based on ACMG/AMP sequence variant interpretation guidelines (Richards et al. 2015 PMID: 25741868, with internal and published modifications).